The following is an entry in ClinVar:

ClinVar aggregate classification (germline): Pathogenic (1 of 4 stars; one submission).

Submission:

GeneDx
Classification: Pathogenic. Last evaluated: 2023-01-10. Review status: criteria provided, single submitter. Criteria: GeneDx Variant Classification Process June 2021. Collection method: clinical testing. Allele origin: germline. Affected: yes.
Comment: Nonsense variant predicted to result in protein truncation or nonsense mediated decay in a gene for which loss of function is a known mechanism of disease; Not observed at significant frequency in large population cohorts (gnomAD); Has not been previously published as pathogenic or benign to our knowledge

NM_014491.4(FOXP2):c.373C>T (p.Gln125Ter)

Gene: FOXP2 (forkhead box P2; plus strand). Cytogenetic location: 7q31.1.
Variant type: single nucleotide variant.
Coding change: c.373C>T on transcript NM_014491.4 (MANE Select); coding-DNA position 373, C replaced by T.
Protein change: p.Gln125Ter; replaces glutamine 125 with a stop codon.
Molecular consequence: nonsense. On other transcripts: non-coding transcript variant (2).
Genome position (GRCh38, 1-based): chr7:114,628,654, C>T. VCF-style: chr7-114628654-C-T. GRCh37 (hg19) VCF-style: chr7-114268709-C-T.
Other names: c.373C>T, p.Gln125Ter (NM_001172766.3, NM_148899.3, NM_148900.4); c.448C>T, p.Gln150Ter (NM_001172767.2, NM_148898.4); c.-1028C>T (NM_001172777.1); short protein forms Q125*, Q150*.
Identifiers: ClinVar variation 2571955 (VCV002571955.1), dbSNP rs2485304675, ClinGen allele CA368961270.